The following is an entry in ClinVar:

ClinVar aggregate classification (germline): Uncertain significance (1 of 4 stars; one submission).

Allele frequency attached by ClinVar (database versions not stated): ExAC 0.00001; gnomAD exomes 0.00001; TOPMed 0.00001.

Submission:

Women's Health and Genetics/Laboratory Corporation of America, LabCorp
Classification: Uncertain significance. Last evaluated: 2024-04-08. Review status: criteria provided, single submitter. Criteria: LabCorp Variant Classification Summary - May 2015. Collection method: clinical testing. Allele origin: germline.
Comment: Variant summary: TTN c.55586T>C (p.Ile18529Thr) results in a non-conservative amino acid change located in the A-band region of the encoded protein sequence. Three of four in-silico tools predict a damaging effect of the variant on protein function. The variant allele was found at a frequency of 8.1e-06 in 248074 control chromosomes. The available data on variant occurrences in the general population are insufficient to allow any conclusion about variant significance. To our knowledge, no occurrence of c.55586T>C in individuals affected with TTN-related conditions and no experimental evidence demonstrating its impact on protein function have been reported. No submitters have cited clinical-significance assessments for this variant to ClinVar. Based on the evidence outlined above, the variant was classified as uncertain significance.

NM_001267550.2(TTN):c.63290T>C (p.Ile21097Thr)

Genes: TTN (titin; minus strand), TTN-AS1 (TTN antisense RNA 1; plus strand). Cytogenetic location: 2q31.2.
Variant type: single nucleotide variant.
Coding change: c.63290T>C on transcript NM_001267550.2 (MANE Select); coding-DNA position 63290, T replaced by C.
Protein change: p.Ile21097Thr; replaces isoleucine 21097 with threonine.
Molecular consequence: missense variant.
Genome position (GRCh38, 1-based): chr2:178,588,117, A>G on the plus strand (T>C on the coding strand, the complement: TTN is on the minus strand). VCF-style: chr2-178588117-A-G. GRCh37 (hg19) VCF-style: chr2-179452844-A-G.
Other names: c.58367T>C, p.Ile19456Thr (NM_001256850.1); c.36095T>C, p.Ile12032Thr (NM_003319.4); c.55586T>C, p.Ile18529Thr (NM_133378.4); c.36470T>C, p.Ile12157Thr (NM_133432.3); c.36671T>C, p.Ile12224Thr (NM_133437.4); short protein forms I12032T, I12157T, I12224T, I18529T, I19456T, I21097T.
Identifiers: ClinVar variation 3251442 (VCV003251442.1), dbSNP rs759579228.